The following is an entry in ClinVar:

NM_001013620.4(ALG10B):c.758T>G (p.Leu253Trp)

Gene: ALG10B (ALG10 alpha-1,2-glucosyltransferase B; plus strand). Cytogenetic location: 12q12.
Variant type: single nucleotide variant.
Coding change: c.758T>G on transcript NM_001013620.4 (MANE Select); coding-DNA position 758, T replaced by G.
Protein change: p.Leu253Trp; replaces leucine 253 with tryptophan.
Molecular consequence: missense variant. On other transcripts: intron variant (1).
Genome position (GRCh38, 1-based): chr12:38,320,549, T>G. VCF-style: chr12-38320549-T-G. GRCh37 (hg19) VCF-style: chr12-38714351-T-G.
Other names: c.369+2091T>G (NM_001308340.2); short protein forms L253W.
Identifiers: ClinVar variation 2642845 (VCV002642845.24), dbSNP rs140475027, ClinGen allele CA6509287.

ClinVar aggregate classification (germline): Likely benign (1 of 4 stars; one submission).

Allele frequency attached by ClinVar (database versions not stated): 1000 Genomes Project 0.00180; TOPMed 0.00333; gnomAD 0.00348; gnomAD exomes 0.00391; ESP Exome Variant Server 0.00400; ExAC 0.00423; 1000 Genomes Project 30x 0.00156.
gnomAD v4.1: 6,317 of 1,614,158 alleles (0.39%); highest among the groups gnomAD compares: Middle Eastern, 3.6%; 35 homozygotes.

Submission:

CeGaT Center for Human Genetics Tuebingen
Classification: Likely benign. Last evaluated: 2023-05-01. Review status: criteria provided, single submitter. Criteria: CeGaT Center For Human Genetics Tuebingen Variant Classification Criteria Version 2. Collection method: clinical testing. Allele origin: germline. Affected: yes. Observed: 1 variant allele.
Comment: ALG10B: BP4, BS2